The following is an entry in ClinVar:

NM_025215.6(PUS1):c.196G>T (p.Ala66Ser)

Gene: PUS1 (pseudouridine synthase 1; plus strand). Cytogenetic location: 12q24.33.
Variant type: single nucleotide variant.
Coding change: c.196G>T on transcript NM_025215.6 (MANE Select); coding-DNA position 196, G replaced by T.
Protein change: p.Ala66Ser; replaces alanine 66 with serine.
Molecular consequence: missense variant.
Genome position (GRCh38, 1-based): chr12:131,930,028, G>T. VCF-style: chr12-131930028-G-T. GRCh37 (hg19) VCF-style: chr12-132414573-G-T.
Other names: c.112G>T, p.Ala38Ser (NM_001002019.3, NM_001002020.3); short protein forms A38S, A66S.
Identifiers: ClinVar variation 4750599 (VCV004750599.1).

ClinVar aggregate classification (germline): Uncertain significance (1 of 4 stars; one submission).

gnomAD v4.1: 1 of 1,472,320 alleles (0.000068%); highest among the groups gnomAD compares: East Asian, 0.0027%; no homozygotes.

Submission:

Labcorp Genetics (formerly Invitae), Labcorp
Classification: Uncertain significance. Last evaluated: 2025-12-23. Review status: criteria provided, single submitter. Criteria: Invitae Variant Classification Sherloc (09022015). Collection method: clinical testing. Allele origin: germline.
Comment: This sequence change replaces alanine, which is neutral and non-polar, with serine, which is neutral and polar, at codon 66 of the PUS1 protein (p.Ala66Ser). The frequency data for this variant in the population databases is considered unreliable, as metrics indicate poor data quality at this position in the gnomAD database. This variant has not been reported in the literature in individuals affected with PUS1-related conditions. Invitae Evidence Modeling of protein sequence and biophysical properties (such as structural, functional, and spatial information, amino acid conservation, physicochemical variation, residue mobility, and thermodynamic stability) indicates that this missense variant is not expected to disrupt PUS1 protein function with a negative predictive value of 80%. In summary, the available evidence is currently insufficient to determine the role of this variant in disease. Therefore, it has been classified as a Variant of Uncertain Significance.